The following is an entry in ClinVar:

NM_173728.4(ARHGEF15):c.736A>G (p.Thr246Ala)

Gene: ARHGEF15 (Rho guanine nucleotide exchange factor 15; plus strand). Cytogenetic location: 17p13.1.
Variant type: single nucleotide variant.
Coding change: c.736A>G on transcript NM_173728.4 (MANE Select); coding-DNA position 736, A replaced by G.
Protein change: p.Thr246Ala; replaces threonine 246 with alanine.
Molecular consequence: missense variant.
Genome position (GRCh38, 1-based): chr17:8,313,056, A>G. VCF-style: chr17-8313056-A-G. GRCh37 (hg19) VCF-style: chr17-8216374-A-G.
Other names: c.736A>G, p.Thr246Ala (NM_025014.2); short protein forms T246A.
Identifiers: ClinVar variation 939199 (VCV000939199.11), dbSNP rs774905343, ClinGen allele CA398015947.
Genomic context (GRCh38, chr17:8,313,056, plus strand): 5'-GTGCCTGTGGGGGGCTATGAGGAGGTCCCCAGGGTCCCCCGTCGGGCCTCCCCGCTGCGG[A>G]CCTCTCGCTCCCGCCCCCACCCTCCAAGCATCGGTCACCCTGCCGTTGTCCTCACATCCT-3'
Protein context (NP_776089.2, residues 236-256): RVPRRASPLR[Thr246Ala]SRSRPHPPSI

ClinVar aggregate classification (germline): Conflicting classifications of pathogenicity. Review status: criteria provided, conflicting classifications (1 of 4 stars). 2 submissions from 2 submitters: Uncertain significance (1); Likely benign (1). Last evaluated 2023-10-24.

Conditions:
Early-infantile DEE. Also called: Early infantile epileptic encephalopathy; Ohtahara syndrome; Early infantile epileptic encephalopathy with suppression bursts. Identifiers: Orphanet 1934, MedGen C0393706, MONDO:0800491.

Allele frequency attached by ClinVar (database versions not stated): TOPMed 0.00002.
gnomAD v4.1: 40 of 1,608,488 alleles (0.0025%); highest among the groups gnomAD compares: Non-Finnish European, 0.0034%; no homozygotes.

Submissions (2):

Labcorp Genetics (formerly Invitae), Labcorp
Classification: Uncertain significance for Early-infantile DEE. Last evaluated: 2023-10-24. Review status: criteria provided, single submitter. Criteria: Invitae Variant Classification Sherloc (09022015). Collection method: clinical testing. Allele origin: germline.
Comment: This sequence change replaces threonine, which is neutral and polar, with alanine, which is neutral and non-polar, at codon 246 of the ARHGEF15 protein (p.Thr246Ala). This variant is present in population databases (no rsID available, gnomAD 0.002%). This variant has not been reported in the literature in individuals affected with ARHGEF15-related conditions. ClinVar contains an entry for this variant (Variation ID: 939199). Algorithms developed to predict the effect of missense changes on protein structure and function output the following: SIFT: "Not Available"; PolyPhen-2: "Benign"; Align-GVGD: "Not Available". The alanine amino acid residue is found in multiple mammalian species, which suggests that this missense change does not adversely affect protein function. In summary, the available evidence is currently insufficient to determine the role of this variant in disease. Therefore, it has been classified as a Variant of Uncertain Significance.

Ambry Genetics
Classification: Likely benign. Last evaluated: 2022-12-15. Review status: criteria provided, single submitter. Criteria: Ambry Variant Classification Scheme 2023. Collection method: clinical testing. Allele origin: germline.